The following is an entry in ClinVar:

ClinVar aggregate classification (germline): Uncertain significance (1 of 4 stars; one submission).

Allele frequency attached by ClinVar (database versions not stated): TOPMed 0.00001.

Submission:

Labcorp Genetics (formerly Invitae), Labcorp
Classification: Uncertain significance. Last evaluated: 2025-04-14. Review status: criteria provided, single submitter. Criteria: Invitae Variant Classification Sherloc (09022015). Collection method: clinical testing. Allele origin: germline.
Comment: This sequence change replaces aspartic acid, which is acidic and polar, with asparagine, which is neutral and polar, at codon 571 of the AHR protein (p.Asp571Asn). This variant is not present in population databases (gnomAD no frequency). This variant has not been reported in the literature in individuals affected with AHR-related conditions. ClinVar contains an entry for this variant (Variation ID: 950383). An algorithm developed to predict the effect of missense changes on protein structure and function (PolyPhen-2) suggests that this variant is likely to be disruptive. In summary, the available evidence is currently insufficient to determine the role of this variant in disease. Therefore, it has been classified as a Variant of Uncertain Significance.

NM_001621.5(AHR):c.1711G>A (p.Asp571Asn)

Gene: AHR (aryl hydrocarbon receptor; plus strand). Cytogenetic location: 7p21.1.
Variant type: single nucleotide variant.
Coding change: c.1711G>A on transcript NM_001621.5 (MANE Select); coding-DNA position 1711, G replaced by A.
Protein change: p.Asp571Asn; replaces aspartic acid 571 with asparagine.
Molecular consequence: missense variant.
Genome position (GRCh38, 1-based): chr7:17,339,536, G>A. VCF-style: chr7-17339536-G-A. GRCh37 (hg19) VCF-style: chr7-17379160-G-A.
Other names: short protein forms D571N.
Identifiers: ClinVar variation 950383 (VCV000950383.9), dbSNP rs77985859, ClinGen allele CA154120771.